The following is an entry in ClinVar:

ClinVar aggregate classification (germline): Uncertain significance. Review status: criteria provided, multiple submitters, no conflicts (2 of 4 stars). 2 submissions from 2 submitters: Uncertain significance (2). Last evaluated 2025-08-10.

Submissions (2):

Ambry Genetics
Classification: Uncertain significance. Last evaluated: 2025-08-10. Review status: criteria provided, single submitter. Criteria: Ambry Variant Classification Scheme 2023. Collection method: clinical testing. Allele origin: germline.

Labcorp Genetics (formerly Invitae), Labcorp
Classification: Uncertain significance. Last evaluated: 2025-06-01. Review status: criteria provided, single submitter. Criteria: Invitae Variant Classification Sherloc (09022015). Collection method: clinical testing. Allele origin: germline.
Comment: This sequence change replaces proline, which is neutral and non-polar, with leucine, which is neutral and non-polar, at codon 95 of the ROM1 protein (p.Pro95Leu). This variant is present in population databases (rs778531875, gnomAD 0.002%). This variant has not been reported in the literature in individuals affected with ROM1-related conditions. ClinVar contains an entry for this variant (Variation ID: 3718303). Invitae Evidence Modeling of protein sequence and biophysical properties (such as structural, functional, and spatial information, amino acid conservation, physicochemical variation, residue mobility, and thermodynamic stability) indicates that this missense variant is not expected to disrupt ROM1 protein function with a negative predictive value of 80%. In summary, the available evidence is currently insufficient to determine the role of this variant in disease. Therefore, it has been classified as a Variant of Uncertain Significance.

NM_000327.4(ROM1):c.284C>T (p.Pro95Leu)

Gene: ROM1 (retinal outer segment membrane protein 1; plus strand). Cytogenetic location: 11q12.3.
Variant type: single nucleotide variant.
Coding change: c.284C>T on transcript NM_000327.4 (MANE Select); coding-DNA position 284, C replaced by T.
Protein change: p.Pro95Leu; replaces proline 95 with leucine.
Molecular consequence: missense variant.
Genome position (GRCh38, 1-based): chr11:62,613,565, C>T. VCF-style: chr11-62613565-C-T. GRCh37 (hg19) VCF-style: chr11-62381037-C-T.
Other names: c.284C>T (NM_000327.3); short protein forms P95L.
Identifiers: ClinVar variation 3718303 (VCV003718303.3).